The following is an entry in ClinVar:

ClinVar aggregate classification (germline): Uncertain significance. Review status: criteria provided, multiple submitters, no conflicts (2 of 4 stars). 5 submissions from 5 submitters: Uncertain significance (5). Last evaluated 2025-07-22.

Conditions:
Hereditary cancer-predisposing syndrome. Also called: Hereditary Cancer Syndrome; Tumor predisposition; Neoplastic Syndromes, Hereditary; Hereditary neoplastic syndrome. Identifiers: Orphanet 140162, MedGen C0027672, MeSH D009386, MONDO:0015356.
Hereditary pheochromocytoma and paraganglioma. Also called: Hereditary pheochromocytoma-paraganglioma; Hereditary paragangliomas and pheochromocytomas; Hereditary Paraganglioma-Pheochromocytoma Syndromes. Identifiers: Orphanet 29072, MedGen C4274332, MONDO:0017366.

Allele frequency attached by ClinVar (database versions not stated): gnomAD 0.00002 and 0.00001; gnomAD exomes 0.00002 and 0.00003; TOPMed 0.00002; ESP Exome Variant Server 0.00008; ExAC 0.00002.
gnomAD v4.1: 34 of 1,614,044 alleles (0.0021%); highest among the groups gnomAD compares: South Asian, 0.0066%; no homozygotes.

Submissions (5):

Labcorp Genetics (formerly Invitae), Labcorp
Classification: Uncertain significance for Hereditary pheochromocytoma and paraganglioma. Last evaluated: 2025-07-22. Review status: criteria provided, single submitter. Criteria: Invitae Variant Classification Sherloc (09022015). Collection method: clinical testing. Allele origin: germline.
Comment: This sequence change replaces valine, which is neutral and non-polar, with isoleucine, which is neutral and non-polar, at codon 175 of the TMEM127 protein (p.Val175Ile). This variant is present in population databases (rs149034651, gnomAD 0.009%). This missense change has been observed in individual(s) with clinical features of hereditary paraganglioma-pheochromocytoma syndrome (PMID: 33051659). ClinVar contains an entry for this variant (Variation ID: 825579). An algorithm developed to predict the effect of missense changes on protein structure and function (PolyPhen-2) suggests that this variant is likely to be tolerated. In summary, the available evidence is currently insufficient to determine the role of this variant in disease. Therefore, it has been classified as a Variant of Uncertain Significance.

Women's Health and Genetics/Laboratory Corporation of America, LabCorp
Classification: Uncertain significance. Last evaluated: 2025-02-11. Review status: criteria provided, single submitter. Criteria: LabCorp Variant Classification Summary - May 2015. Collection method: clinical testing. Allele origin: germline.
Comment: Variant summary: TMEM127 c.523G>A (p.Val175Ile) results in a conservative amino acid change located in the Transmembrane protein 127 (IPR046795) of the encoded protein sequence. Three of five in-silico tools predict a benign effect of the variant on protein function. The variant allele was found at a frequency of 2.8e-05 in 251480 control chromosomes. The available data on variant occurrences in the general population are insufficient to allow any conclusion about variant significance. c.523G>A has been reported in the literature in at least one individual affected with head and neck paraganglioma (e.g. Armaiz-Pena_2021). This report does not provide unequivocal conclusions about association of the variant with Hereditary Paraganglioma-Pheochromocytoma Syndrome. To our knowledge, no experimental evidence demonstrating an impact on protein function has been reported. The following publication has been ascertained in the context of this evaluation (PMID: 33051659). ClinVar contains an entry for this variant (Variation ID: 825579). Based on the evidence outlined above, the variant was classified as uncertain significance.

Ambry Genetics
Classification: Uncertain significance for Hereditary cancer-predisposing syndrome. Last evaluated: 2024-12-12. Review status: criteria provided, single submitter. Criteria: Ambry Variant Classification Scheme 2023. Collection method: clinical testing. Allele origin: germline.
Comment: The p.V175I variant (also known as c.523G>A), located in coding exon 3 of the TMEM127 gene, results from a G to A substitution at nucleotide position 523. The valine at codon 175 is replaced by isoleucine, an amino acid with highly similar properties. This variant was also reported in 1 of 701 Brazilian individuals with features consistent with a hereditary breast and/or ovarian cancer syndrome (Faria JP et al. Breast Cancer Res Treat, 2024 Oct;207:615-624). This amino acid position is well conserved in available vertebrate species; however, isoleucine is the reference amino acid in other vertebrate species. In addition, this alteration is predicted to be tolerated by in silico analysis. Based on the available evidence, the clinical significance of this variant remains unclear.

Quest Diagnostics Nichols Institute San Juan Capistrano
Classification: Uncertain significance. Last evaluated: 2024-08-23. Review status: criteria provided, single submitter. Criteria: Quest Diagnostics criteria. Collection method: clinical testing. Allele origin: unknown.
Comment: The TMEM127 c.523G>A (p.Val175Ile) variant has been reported in the published literature in an individual with pheochromocytoma and head and neck paraganglioma (PMID: 33051659 (2021)). The frequency of this variant in the general population, 0.000087 (3/34586 chromosomes (Genome Aggregation Database)), is uninformative in the assessment of its pathogenicity. Analysis of this variant using bioinformatics tools for the prediction of the effect of amino acid changes on protein structure and function yielded predictions that this variant is benign. Based on the available information, we are unable to determine the clinical significance of this variant.

GeneDx
Classification: Uncertain significance. Last evaluated: 2022-11-17. Review status: criteria provided, single submitter. Criteria: GeneDx Variant Classification Process June 2021. Collection method: clinical testing. Allele origin: germline. Affected: yes.
Comment: In silico analysis supports that this missense variant does not alter protein structure/function; This variant is associated with the following publications: (PMID: 21156949, 33051659)

Literature cited by the submitters: PubMed 33051659 (cited by 4 submitters); PubMed 38874686 (cited by Ambry Genetics).

NM_017849.4(TMEM127):c.523G>A (p.Val175Ile)

Gene: TMEM127 (transmembrane protein 127; minus strand). Cytogenetic location: 2q11.2.
Variant type: single nucleotide variant.
Coding change: c.523G>A on transcript NM_017849.4 (MANE Select); coding-DNA position 523, G replaced by A.
Protein change: p.Val175Ile; replaces valine 175 with isoleucine.
Molecular consequence: missense variant.
Genome position (GRCh38, 1-based): chr2:96,254,002, C>T on the plus strand (G>A on the coding strand, the complement: TMEM127 is on the minus strand). VCF-style: chr2-96254002-C-T. GRCh37 (hg19) VCF-style: chr2-96919740-C-T.
Other names: c.523G>A, p.Val175Ile (NM_001193304.3); short protein forms V175I.
Identifiers: ClinVar variation 825579 (VCV000825579.15), dbSNP rs149034651, ClinGen allele CA1777288.